The following is an entry in ClinVar:

ClinVar aggregate classification (germline): Uncertain significance. Review status: criteria provided, multiple submitters, no conflicts (2 of 4 stars). 3 submissions from 3 submitters: Uncertain significance (3). Last evaluated 2025-10-20.

Conditions:
Hereditary cancer-predisposing syndrome. Also called: Neoplastic Syndromes, Hereditary; Hereditary neoplastic syndrome; Tumor predisposition; Hereditary Cancer Syndrome. Identifiers: Orphanet 140162, MedGen C0027672, MeSH D009386, MONDO:0015356.
Ataxia-telangiectasia syndrome (AT). Also called: Ataxia telangiectasia (A-T); Cerebello-oculocutaneous telangiectasia; Immunodeficiency with ataxia telangiectasia; LOUIS-BAR SYNDROME; AT, COMPLEMENTATION GROUP C; ATAXIA-TELANGIECTASIA, FRESNO VARIANT. Identifiers: Orphanet 100, MedGen C0004135, MONDO:0008840, OMIM 208900.

Allele frequency attached by ClinVar (database versions not stated): TOPMed below 0.00001; gnomAD 0.00001.
gnomAD v4.1: 1 of 1,614,034 alleles (0.000062%); highest among the groups gnomAD compares: African/African-American, 0.0013%; no homozygotes.

Submissions (3):

Labcorp Genetics (formerly Invitae), Labcorp
Classification: Uncertain significance for Ataxia-telangiectasia syndrome. Last evaluated: 2025-10-20. Review status: criteria provided, single submitter. Criteria: Invitae Variant Classification Sherloc (09022015). Collection method: clinical testing. Allele origin: germline.
Comment: This sequence change replaces threonine, which is neutral and polar, with alanine, which is neutral and non-polar, at codon 2035 of the ATM protein (p.Thr2035Ala). This variant is not present in population databases (gnomAD no frequency). This variant has not been reported in the literature in individuals affected with ATM-related conditions. ClinVar contains an entry for this variant (Variation ID: 232101). Invitae Evidence Modeling of protein sequence and biophysical properties (such as structural, functional, and spatial information, amino acid conservation, physicochemical variation, residue mobility, and thermodynamic stability) indicates that this missense variant is not expected to disrupt ATM protein function with a negative predictive value of 95%. In summary, the available evidence is currently insufficient to determine the role of this variant in disease. Therefore, it has been classified as a Variant of Uncertain Significance.

Ambry Genetics
Classification: Uncertain significance for Hereditary cancer-predisposing syndrome. Last evaluated: 2023-12-23. Review status: criteria provided, single submitter. Criteria: Ambry Variant Classification Scheme 2023. Collection method: clinical testing. Allele origin: germline.
Comment: The p.T2035A variant (also known as c.6103A>G), located in coding exon 41 of the ATM gene, results from an A to G substitution at nucleotide position 6103. The threonine at codon 2035 is replaced by alanine, an amino acid with similar properties. This amino acid position is highly conserved in available vertebrate species. In addition, the in silico prediction for this alteration is inconclusive. Since supporting evidence is limited at this time, the clinical significance of this alteration remains unclear.

Color Diagnostics, LLC DBA Color Health
Classification: Uncertain significance for Hereditary cancer-predisposing syndrome. Last evaluated: 2019-01-01. Review status: criteria provided, single submitter. Criteria: ACMG Guidelines, 2015. Collection method: clinical testing. Allele origin: germline.

NM_000051.4(ATM):c.6103A>G (p.Thr2035Ala)

Genes: ATM (ATM serine/threonine kinase; plus strand), C11orf65 (chromosome 11 open reading frame 65; minus strand). Cytogenetic location: 11q22.3.
Variant type: single nucleotide variant.
Coding change: c.6103A>G on transcript NM_000051.4 (MANE Select); coding-DNA position 6103, A replaced by G.
Protein change: p.Thr2035Ala; replaces threonine 2035 with alanine.
Molecular consequence: missense variant. On other transcripts: intron variant (2).
Genome position (GRCh38, 1-based): chr11:108,316,018, A>G. VCF-style: chr11-108316018-A-G. GRCh37 (hg19) VCF-style: chr11-108186745-A-G.
Other names: c.6103A>G, p.Thr2035Ala (NM_001351834.2); c.641-6947T>C (NM_001330368.2); c.*39-6947T>C (NM_001351110.2); short protein forms T2035A.
Identifiers: ClinVar variation 232101 (VCV000232101.15), dbSNP rs876659555, ClinGen allele CA10579209.
Genomic context (GRCh38, chr11:108,316,018, plus strand): 5'-AGGAGTTATGTGTGTGTAAAACCCAAAGCTATTTTCACAATCTTTTCTTATAGACTACGA[A>G]CATATGAACACGAAGCAATGTGGGGCAAAGCCCTAGTAACATATGACCTCGAAACAGCAA-3'
Protein context (NP_000042.3, residues 2025-2045): KMLQPITRLR[Thr2035Ala]YEHEAMWGKA